The following is an entry in ClinVar:

NM_001081.4(CUBN):c.6822-1G>A

Gene: CUBN (cubilin; minus strand). Cytogenetic location: 10p13.
Variant type: single nucleotide variant.
Coding change: c.6822-1G>A on transcript NM_001081.4 (MANE Select); the canonical splice acceptor site of the intron before coding-DNA position 6822, G replaced by A.
Molecular consequence: splice acceptor variant.
Genome position (GRCh38, 1-based): chr10:16,918,801, C>T on the plus strand (G>A on the coding strand, the complement: CUBN is on the minus strand). VCF-style: chr10-16918801-C-T. GRCh37 (hg19) VCF-style: chr10-16960800-C-T.
Other names: c.6822-1G>A (NM_001081.3).
Identifiers: ClinVar variation 2142928 (VCV002142928.6), dbSNP rs1353402674, ClinGen allele CA376148462.
Genomic context (GRCh38, chr10:16,918,801, plus strand): 5'-GAAAGTATTGGTGCATCCGAATCCACTCCATCCCGCAACTCAAGGTAGTTGGAAGTACAG[C>T]TGAAGTGGGAACAAAATTCTGTTAAATTTACATGGTCAGATGCTTATTTTGATAATGACA-3'

ClinVar aggregate classification (germline): Likely pathogenic. Review status: criteria provided, multiple submitters, no conflicts (2 of 4 stars). 3 submissions from 3 submitters: Likely pathogenic (3). Last evaluated 2023-06-05.

Conditions:
Imerslund-Grasbeck syndrome. Also called: ENTEROCYTE COBALAMIN MALABSORPTION; ENTEROCYTE INTRINSIC FACTOR RECEPTOR, DEFECT OF; PERNICIOUS ANEMIA, JUVENILE, DUE TO SELECTIVE INTESTINAL MALABSORPTION OF VITAMIN B12, WITH PROTEINURIA; Megaloblastic anemia due to inborn errors of metabolism; Imerslund-Gräsbeck syndrome. Identifiers: Orphanet 35858, MedGen C4551825, MONDO:0009853.
CUBN-related disorder. Also called: CUBN-related condition.
Proteinuria, chronic benign. Identifiers: MedGen C5394384, MONDO:0030042, OMIM 618884.

Allele frequency attached by ClinVar (database versions not stated): TOPMed below 0.00001; gnomAD 0.00001.
gnomAD v4.1: 2 of 1,613,280 alleles (0.00012%); highest among the groups gnomAD compares: African/African-American, 0.0013%; no homozygotes.

Submissions (3):

PreventionGenetics, part of Exact Sciences
Classification: Likely pathogenic for CUBN-related condition. Last evaluated: 2023-06-05. Review status: criteria provided, single submitter. Criteria: ACMG Guidelines, 2015. Collection method: clinical testing. Allele origin: germline.
Comment: The CUBN c.6822-1G>A variant is predicted to disrupt the AG splice acceptor site and interfere with normal splicing. To our knowledge, this variant has not been reported in the literature or a large population database, indicating this variant is rare. Variants that disrupt the consensus splice acceptor site in CUBN are expected to be pathogenic. This variant is interpreted as likely pathogenic.

Eurofins-Biomnis
Classification: Likely pathogenic for Proteinuria, chronic benign. Last evaluated: 2022-10-14. Review status: criteria provided, single submitter. Criteria: Accession Criteria ClinVar Biomnis. Collection method: clinical testing. Allele origin: germline. Affected: yes. Observed: 1 heterozygote.

Labcorp Genetics (formerly Invitae), Labcorp
Classification: Likely pathogenic for Imerslund-Grasbeck syndrome. Last evaluated: 2022-05-13. Review status: criteria provided, single submitter. Criteria: Invitae Variant Classification Sherloc (09022015). Collection method: clinical testing. Allele origin: germline.
Comment: In summary, the currently available evidence indicates that the variant is pathogenic, but additional data are needed to prove that conclusively. Therefore, this variant has been classified as Likely Pathogenic. Algorithms developed to predict the effect of sequence changes on RNA splicing suggest that this variant may disrupt the consensus splice site. This variant has not been reported in the literature in individuals affected with CUBN-related conditions. This variant is not present in population databases (gnomAD no frequency). This sequence change affects an acceptor splice site in intron 44 of the CUBN gene. It is expected to disrupt RNA splicing. Variants that disrupt the donor or acceptor splice site typically lead to a loss of protein function (PMID: 16199547), and loss-of-function variants in CUBN are known to be pathogenic (PMID: 15024727, 22929189).

Literature cited by the submitters: PubMed 16199547 (cited by Labcorp Genetics (formerly Invitae), Labcorp); PubMed 15024727 (cited by Labcorp Genetics (formerly Invitae), Labcorp); PubMed 22929189 (cited by Labcorp Genetics (formerly Invitae), Labcorp).